The following is an entry in ClinVar:

ClinVar aggregate classification (germline): Uncertain significance (1 of 4 stars; one submission).

Conditions:
Inborn genetic diseases. Identifiers: MedGen C0950123, MeSH D030342.

Allele frequency attached by ClinVar (database versions not stated): gnomAD exomes below 0.00001; ExAC 0.00001; ESP Exome Variant Server 0.00008.
gnomAD v4.1: 1 of 1,613,650 alleles (0.000062%); highest among the groups gnomAD compares: Non-Finnish European, 0.000085%; no homozygotes.

Submission:

Ambry Genetics
Classification: Uncertain significance for Inborn genetic diseases. Last evaluated: 2024-03-02. Review status: criteria provided, single submitter. Criteria: Ambry Variant Classification Scheme 2023. Collection method: clinical testing. Allele origin: germline.
Comment: The p.Q713E variant (also known as c.2137C>G), located in coding exon 10 of the ATR gene, results from a C to G substitution at nucleotide position 2137. The glutamine at codon 713 is replaced by glutamic acid, an amino acid with highly similar properties. This amino acid position is conserved. In addition, this alteration is predicted to be tolerated by in silico analysis. Since supporting evidence is limited at this time, the clinical significance of this alteration remains unclear.

NM_001184.4(ATR):c.2137C>G (p.Gln713Glu)

Gene: ATR (ATR checkpoint kinase; minus strand). Cytogenetic location: 3q23.
Variant type: single nucleotide variant.
Coding change: c.2137C>G on transcript NM_001184.4 (MANE Select); coding-DNA position 2137, C replaced by G.
Protein change: p.Gln713Glu; replaces glutamine 713 with glutamic acid.
Molecular consequence: missense variant.
Genome position (GRCh38, 1-based): chr3:142,556,081, G>C on the plus strand (C>G on the coding strand, the complement: ATR is on the minus strand). VCF-style: chr3-142556081-G-C. GRCh37 (hg19) VCF-style: chr3-142274923-G-C.
Other names: c.1945C>G, p.Gln649Glu (NM_001354579.2); short protein forms Q649E, Q713E.
Identifiers: ClinVar variation 1786495 (VCV001786495.2), dbSNP rs373600572, ClinGen allele CA2650417.